The following is an entry in ClinVar:

ClinVar aggregate classification (germline): Uncertain significance (1 of 4 stars; one submission).

Conditions:
Ritscher-Schinzel syndrome. Also called: CRANIOCEREBELLOCARDIAC DYSPLASIA. Identifiers: Orphanet 7, MedGen C0796137, MONDO:0019078.
Hereditary spastic paraplegia 8 (SPG8). Also called: SPASTIC PARAPLEGIA 8, AUTOSOMAL DOMINANT. Identifiers: Orphanet 100989, MedGen C1863704, MONDO:0011339, OMIM 603563.

gnomAD v4.1: 1 of 1,613,176 alleles (0.000062%); highest among the groups gnomAD compares: South Asian, 0.0011%; no homozygotes.

Submission:

Labcorp Genetics (formerly Invitae), Labcorp
Classification: Uncertain significance for Ritscher-Schinzel syndrome; Hereditary spastic paraplegia 8. Last evaluated: 2024-12-25. Review status: criteria provided, single submitter. Criteria: Invitae Variant Classification Sherloc (09022015). Collection method: clinical testing. Allele origin: germline.
Comment: This sequence change replaces leucine, which is neutral and non-polar, with valine, which is neutral and non-polar, at codon 514 of the WASHC5 protein (p.Leu514Val). This variant is not present in population databases (gnomAD no frequency). This variant has not been reported in the literature in individuals affected with WASHC5-related conditions. Invitae Evidence Modeling of protein sequence and biophysical properties (such as structural, functional, and spatial information, amino acid conservation, physicochemical variation, residue mobility, and thermodynamic stability) indicates that this missense variant is not expected to disrupt WASHC5 protein function with a negative predictive value of 80%. In summary, the available evidence is currently insufficient to determine the role of this variant in disease. Therefore, it has been classified as a Variant of Uncertain Significance.

NM_014846.4(WASHC5):c.1540T>G (p.Leu514Val)

Gene: WASHC5 (WASH complex subunit 5; minus strand). Cytogenetic location: 8q24.13.
Variant type: single nucleotide variant.
Coding change: c.1540T>G on transcript NM_014846.4 (MANE Select); coding-DNA position 1540, T replaced by G.
Protein change: p.Leu514Val; replaces leucine 514 with valine.
Molecular consequence: missense variant.
Genome position (GRCh38, 1-based): chr8:125,059,524, A>C on the plus strand (T>G on the coding strand, the complement: WASHC5 is on the minus strand). VCF-style: chr8-125059524-A-C. GRCh37 (hg19) VCF-style: chr8-126071766-A-C.
Other names: c.1096T>G, p.Leu366Val (NM_001330609.2); short protein forms L366V, L514V.
Identifiers: ClinVar variation 3763553 (VCV003763553.2).